The following is an entry in ClinVar:

ClinVar aggregate classification (germline): Pathogenic (1 of 4 stars; one submission).

gnomAD v4.1: 2 of 1,613,390 alleles (0.00012%); highest among the groups gnomAD compares: Non-Finnish European, 0.00017%; no homozygotes.

Submission:

Labcorp Genetics (formerly Invitae), Labcorp
Classification: Pathogenic. Last evaluated: 2023-08-16. Review status: criteria provided, single submitter. Criteria: Invitae Variant Classification Sherloc (09022015). Collection method: clinical testing. Allele origin: germline.
Comment: For these reasons, this variant has been classified as Pathogenic. This variant has not been reported in the literature in individuals affected with CCDC88C-related conditions. This variant is not present in population databases (gnomAD no frequency). This sequence change creates a premature translational stop signal (p.Tyr1185*) in the CCDC88C gene. It is expected to result in an absent or disrupted protein product. Loss-of-function variants in CCDC88C are known to be pathogenic (PMID: 23042809, 29225145).

Literature cited by the submitters: PubMed 23042809; PubMed 29225145.

NM_001080414.4(CCDC88C):c.3555C>G (p.Tyr1185Ter)

Gene: CCDC88C (coiled-coil and HOOK domain protein 88C; minus strand). Cytogenetic location: 14q32.11.
Variant type: single nucleotide variant.
Coding change: c.3555C>G on transcript NM_001080414.4 (MANE Select); coding-DNA position 3555, C replaced by G.
Protein change: p.Tyr1185Ter; replaces tyrosine 1185 with a stop codon.
Molecular consequence: nonsense.
Genome position (GRCh38, 1-based): chr14:91,303,781, G>C on the plus strand (C>G on the coding strand, the complement: CCDC88C is on the minus strand). VCF-style: chr14-91303781-G-C. GRCh37 (hg19) VCF-style: chr14-91770125-G-C.
Other names: short protein forms Y1185*.
Identifiers: ClinVar variation 2805843 (VCV002805843.3), dbSNP rs375940741, ClinGen allele CA390621731.